The following is an entry in ClinVar:

NM_000518.5(HBB):c.*5G>C

Genes: HBB (hemoglobin subunit beta; minus strand), LOC107133510 (origin of replication at HBB; plus strand), LOC110006319 (beta-globin gene 3' regulatory region; plus strand). Cytogenetic location: 11p15.4.
Variant type: single nucleotide variant.
Coding change: c.*5G>C on transcript NM_000518.5 (MANE Select); 5 bases downstream of the stop codon, G replaced by C.
Molecular consequence: 3 prime UTR variant.
Genome position (GRCh38, 1-based): chr11:5,225,593, C>G on the plus strand (G>C on the coding strand, the complement: HBB is on the minus strand). VCF-style: chr11-5225593-C-G. GRCh37 (hg19) VCF-style: chr11-5246823-C-G.
Other names: c.*5G>C (NM_000518.4).
Identifiers: ClinVar variation 2445817 (VCV002445817.1), dbSNP rs779043171, ClinGen allele CA2580083905.

ClinVar aggregate classification (germline): Uncertain significance (1 of 4 stars; one submission).

Submission:

Women's Health and Genetics/Laboratory Corporation of America, LabCorp
Classification: Uncertain significance. Last evaluated: 2023-02-13. Review status: criteria provided, single submitter. Criteria: LabCorp Variant Classification Summary - May 2015. Collection method: clinical testing. Allele origin: germline.
Comment: Variant summary: HBB c.*5G>C is located in the untranslated mRNA region downstream of the termination codon. The variant was absent in 251368 control chromosomes. The available data on variant occurrences in the general population are insufficient to allow any conclusion about variant significance. To our knowledge, no occurrence of c.*5G>C in individuals affected with Hemoglobinopathy and no experimental evidence demonstrating its impact on protein function have been reported. No clinical diagnostic laboratories have submitted clinical-significance assessments for this variant to ClinVar after 2014. Based on the evidence outlined above, the variant was classified as uncertain significance.